The following is an entry in ClinVar:

NM_000138.5(FBN1):c.7570G>C (p.Asp2524His)

Gene: FBN1 (fibrillin 1; minus strand). Cytogenetic location: 15q21.1.
Variant type: single nucleotide variant.
Coding change: c.7570G>C on transcript NM_000138.5 (MANE Select); coding-DNA position 7570, G replaced by C.
Protein change: p.Asp2524His; replaces aspartic acid 2524 with histidine.
Molecular consequence: missense variant.
Genome position (GRCh38, 1-based): chr15:48,421,952, C>G on the plus strand (G>C on the coding strand, the complement: FBN1 is on the minus strand). VCF-style: chr15-48421952-C-G. GRCh37 (hg19) VCF-style: chr15-48714149-C-G.
Other names: short protein forms D2524H.
Identifiers: ClinVar variation 839607 (VCV000839607.9), dbSNP rs2042945976, ClinGen allele CA392325828.

ClinVar aggregate classification (germline): Uncertain significance (1 of 4 stars; one submission).

Conditions:
Familial thoracic aortic aneurysm and aortic dissection (TAAD). Also called: Thoracic aortic aneurysms and dissections. Identifiers: Orphanet 91387, MedGen C4707243, MONDO:0019625.
Marfan syndrome (MFS). Also called: FBN1-Related Marfan Syndrome; Marfan's syndrome; MARFAN SYNDROME, TYPE I; Marfan syndrome type 1; Marfan syndrome, classic. Identifiers: Orphanet 284963, Orphanet 558, MedGen C0024796, MONDO:0007947, OMIM 154700.

Submission:

Labcorp Genetics (formerly Invitae), Labcorp
Classification: Uncertain significance for Marfan syndrome; Familial thoracic aortic aneurysm and aortic dissection. Last evaluated: 2025-05-01. Review status: criteria provided, single submitter. Criteria: Invitae Variant Classification Sherloc (09022015). Collection method: clinical testing. Allele origin: germline.
Comment: This sequence change replaces aspartic acid, which is acidic and polar, with histidine, which is basic and polar, at codon 2524 of the FBN1 protein (p.Asp2524His). This variant also falls at the last nucleotide of exon 61, which is part of the consensus splice site for this exon. This variant is not present in population databases (gnomAD no frequency). This missense change has been observed in individual(s) with Marfan syndrome (internal data). ClinVar contains an entry for this variant (Variation ID: 839607). An algorithm developed to predict the effect of missense changes on protein structure and function (PolyPhen-2) suggests that this variant is likely to be disruptive. Variants that disrupt the consensus splice site are a relatively common cause of aberrant splicing (PMID: 17576681, 9536098). In summary, the available evidence is currently insufficient to determine the role of this variant in disease. Therefore, it has been classified as a Variant of Uncertain Significance.

Literature cited by the submitters: PubMed 17576681; PubMed 9536098.